The following is an entry in ClinVar:

ClinVar aggregate classification (germline): Uncertain significance (1 of 4 stars; one submission).

gnomAD v4.1: 3 of 1,610,458 alleles (0.00019%); highest among the groups gnomAD compares: Non-Finnish European, 0.00025%; no homozygotes.

Submission:

Labcorp Genetics (formerly Invitae), Labcorp
Classification: Uncertain significance. Last evaluated: 2023-01-27. Review status: criteria provided, single submitter. Criteria: Invitae Variant Classification Sherloc (09022015). Collection method: clinical testing. Allele origin: germline.
Comment: Algorithms developed to predict the effect of missense changes on protein structure and function (SIFT, PolyPhen-2, Align-GVGD) all suggest that this variant is likely to be tolerated. This sequence change replaces arginine, which is basic and polar, with leucine, which is neutral and non-polar, at codon 257 of the PALM protein (p.Arg257Leu). This variant is not present in population databases (gnomAD no frequency). This variant has not been reported in the literature in individuals affected with PALM-related conditions. In summary, the available evidence is currently insufficient to determine the role of this variant in disease. Therefore, it has been classified as a Variant of Uncertain Significance.

NM_002579.3(PALM):c.770G>T (p.Arg257Leu)

Gene: PALM (paralemmin; plus strand). Cytogenetic location: 19p13.3.
Variant type: single nucleotide variant.
Coding change: c.770G>T on transcript NM_002579.3 (MANE Select); coding-DNA position 770, G replaced by T.
Protein change: p.Arg257Leu; replaces arginine 257 with leucine.
Molecular consequence: missense variant.
Genome position (GRCh38, 1-based): chr19:746,420, G>T. VCF-style: chr19-746420-G-T. GRCh37 (hg19) VCF-style: chr19-746420-G-T.
Other names: c.638G>T, p.Arg213Leu (NM_001040134.2); short protein forms R213L, R257L.
Identifiers: ClinVar variation 2077193 (VCV002077193.4), dbSNP rs550258310, ClinGen allele CA402890580.